The following is an entry in ClinVar:

ClinVar aggregate classification (germline): Uncertain significance. Review status: criteria provided, multiple submitters, no conflicts (2 of 4 stars). 2 submissions from 2 submitters: Uncertain significance (2). Last evaluated 2025-10-22.

Conditions:
Inborn genetic diseases. Identifiers: MedGen C0950123, MeSH D030342.

gnomAD v4.1: 5 of 1,614,042 alleles (0.00031%); highest among the groups gnomAD compares: Non-Finnish European, 0.00034%; no homozygotes.

Submissions (2):

Ambry Genetics
Classification: Uncertain significance for Inborn genetic diseases. Last evaluated: 2025-10-22. Review status: criteria provided, single submitter. Criteria: Ambry Variant Classification Scheme 2023. Collection method: clinical testing. Allele origin: germline.

Labcorp Genetics (formerly Invitae), Labcorp
Classification: Uncertain significance. Last evaluated: 2023-05-23. Review status: criteria provided, single submitter. Criteria: Invitae Variant Classification Sherloc (09022015). Collection method: clinical testing. Allele origin: germline.
Comment: In summary, the available evidence is currently insufficient to determine the role of this variant in disease. Therefore, it has been classified as a Variant of Uncertain Significance. Advanced modeling of protein sequence and biophysical properties (such as structural, functional, and spatial information, amino acid conservation, physicochemical variation, residue mobility, and thermodynamic stability) performed at Invitae indicates that this missense variant is not expected to disrupt CDH23 protein function. ClinVar contains an entry for this variant (Variation ID: 1469508). This variant has not been reported in the literature in individuals affected with CDH23-related conditions. This variant is present in population databases (rs191021194, gnomAD 0.002%). This sequence change replaces threonine, which is neutral and polar, with isoleucine, which is neutral and non-polar, at codon 1743 of the CDH23 protein (p.Thr1743Ile).

NM_022124.6(CDH23):c.5228C>T (p.Thr1743Ile)

Gene: CDH23 (cadherin related 23; plus strand). Cytogenetic location: 10q22.1.
Variant type: single nucleotide variant.
Coding change: c.5228C>T on transcript NM_022124.6 (MANE Select); coding-DNA position 5228, C replaced by T.
Protein change: p.Thr1743Ile; replaces threonine 1743 with isoleucine.
Molecular consequence: missense variant.
Genome position (GRCh38, 1-based): chr10:71,779,307, C>T. VCF-style: chr10-71779307-C-T. GRCh37 (hg19) VCF-style: chr10-73539064-C-T.
Other names: c.5228C>T (NM_022124.5); short protein forms T1743I.
Identifiers: ClinVar variation 1469508 (VCV001469508.5), dbSNP rs191021194, ClinGen allele CA5545692.